The following is an entry in ClinVar:

NM_000094.4(COL7A1):c.4482+1G>A

Gene: COL7A1 (collagen type VII alpha 1 chain; minus strand). Cytogenetic location: 3p21.31.
Variant type: single nucleotide variant.
Coding change: c.4482+1G>A on transcript NM_000094.4 (MANE Select); the canonical splice donor site of the intron after coding-DNA position 4482, G replaced by A.
Molecular consequence: splice donor variant.
Genome position (GRCh38, 1-based): chr3:48,583,126, C>T on the plus strand (G>A on the coding strand, the complement: COL7A1 is on the minus strand). VCF-style: chr3-48583126-C-T. GRCh37 (hg19) VCF-style: chr3-48620559-C-T.
Other names: NC_000003.11:g.48620559C>T.
Identifiers: ClinVar variation 3340261 (VCV003340261.2).

ClinVar aggregate classification (germline): Pathogenic (1 of 4 stars; one submission).

Submissions (2):

GeneDx
Classification: Pathogenic. Last evaluated: 2023-04-11. Review status: criteria provided, single submitter. Criteria: GeneDx Variant Classification Process June 2021. Collection method: clinical testing. Allele origin: germline. Affected: yes.
Comment: Canonical splice site variant predicted to result in a null allele in a gene for which loss of function is a known mechanism of disease; Not observed at significant frequency in large population cohorts (gnomAD); This variant is associated with the following publications: (PMID: 25525159, 16971478)

Dr. Peter K. Rogan Lab, Western University
No classification provided (evidence only). Condition: Squamous cell lung carcinoma. Review status: no classification provided. Collection method: in vitro. Allele origin: not applicable. Functional consequence: retained intron. Not counted in ClinVar's aggregate classification.